The following is an entry in ClinVar:

NM_001197104.2(KMT2A):c.3376G>A (p.Ala1126Thr)

Gene: KMT2A (lysine methyltransferase 2A; plus strand). Cytogenetic location: 11q23.3.
Variant type: single nucleotide variant.
Coding change: c.3376G>A on transcript NM_001197104.2 (MANE Select); coding-DNA position 3376, G replaced by A.
Protein change: p.Ala1126Thr; replaces alanine 1126 with threonine.
Molecular consequence: missense variant.
Genome position (GRCh38, 1-based): chr11:118,478,008, G>A. VCF-style: chr11-118478008-G-A. GRCh37 (hg19) VCF-style: chr11-118348723-G-A.
Other names: c.3475G>A, p.Ala1159Thr (NM_001412597.1); c.3376G>A, p.Ala1126Thr (NM_005933.4); short protein forms A1126T, A1159T.
Identifiers: ClinVar variation 2554675 (VCV002554675.3), dbSNP rs141959511, ClinGen allele CA229524000.

ClinVar aggregate classification (germline): Uncertain significance. Review status: criteria provided, multiple submitters, no conflicts (2 of 4 stars). 2 submissions from 2 submitters: Uncertain significance (2). Last evaluated 2025-04-17.

Conditions:
Inborn genetic diseases. Identifiers: MedGen C0950123, MeSH D030342.

Allele frequency attached by ClinVar (database versions not stated): gnomAD exomes below 0.00001; TOPMed 0.00002; ESP Exome Variant Server 0.00008.
gnomAD v4.1: 1 of 1,614,030 alleles (0.000062%); highest among the groups gnomAD compares: Non-Finnish European, 0.000085%; no homozygotes.

Submissions (2):

Labcorp Genetics (formerly Invitae), Labcorp
Classification: Uncertain significance. Last evaluated: 2025-04-17. Review status: criteria provided, single submitter. Criteria: Invitae Variant Classification Sherloc (09022015). Collection method: clinical testing. Allele origin: germline.
Comment: This sequence change replaces alanine, which is neutral and non-polar, with threonine, which is neutral and polar, at codon 1126 of the KMT2A protein (p.Ala1126Thr). This variant is present in population databases (rs141959511, gnomAD 0.0009%). This variant has not been reported in the literature in individuals affected with KMT2A-related conditions. ClinVar contains an entry for this variant (Variation ID: 2554675). Invitae Evidence Modeling of protein sequence and biophysical properties (such as structural, functional, and spatial information, amino acid conservation, physicochemical variation, residue mobility, and thermodynamic stability) indicates that this missense variant is not expected to disrupt KMT2A protein function with a negative predictive value of 95%. In summary, the available evidence is currently insufficient to determine the role of this variant in disease. Therefore, it has been classified as a Variant of Uncertain Significance.

Ambry Genetics
Classification: Uncertain significance for Inborn genetic diseases. Last evaluated: 2023-05-31. Review status: criteria provided, single submitter. Criteria: Ambry Variant Classification Scheme 2023. Collection method: clinical testing. Allele origin: germline.